The following is an entry in ClinVar:

NM_001386140.1(MTTP):c.2433G>C (p.Leu811Phe)

Gene: MTTP (microsomal triglyceride transfer protein; plus strand). Cytogenetic location: 4q23.
Variant type: single nucleotide variant.
Coding change: c.2433G>C on transcript NM_001386140.1 (MANE Select); coding-DNA position 2433, G replaced by C.
Protein change: p.Leu811Phe; replaces leucine 811 with phenylalanine.
Molecular consequence: missense variant.
Genome position (GRCh38, 1-based): chr4:99,621,151, G>C. VCF-style: chr4-99621151-G-C. GRCh37 (hg19) VCF-style: chr4-100542308-G-C.
Other names: c.2433G>C, p.Leu811Phe (NM_000253.4); c.2184G>C, p.Leu728Phe (NM_001300785.2); short protein forms L811F, L728F.
Identifiers: ClinVar variation 285288 (VCV000285288.66), dbSNP rs144590904, ClinGen allele CA3022360.

ClinVar aggregate classification (germline): Conflicting classifications of pathogenicity. Review status: criteria provided, conflicting classifications (1 of 4 stars). 13 submissions from 13 submitters: Uncertain significance (3); Likely benign (7). 3 of the submissions do not count toward it. Last evaluated 2026-04-01.

Conditions:
MTTP-related disorder. Also called: MTTP-related condition.
Abetalipoproteinaemia (ABL). Also called: Abetalipoproteinemia; Abetalipoproteinemia neuropathy; Apolipoprotein B deficiency; Congenital betalipoprotein deficiency syndrome; MTP DEFICIENCY. Identifiers: Orphanet 14, MedGen C0000744, MONDO:0008692, OMIM 200100, HP:0008181.

Allele frequency attached by ClinVar (database versions not stated): 1000 Genomes Project 30x 0.00109; ESP Exome Variant Server 0.00115; 1000 Genomes Project 0.00120; ExAC 0.00130; gnomAD 0.00139 and 0.00141; gnomAD exomes 0.00160 and 0.00161; TOPMed 0.00164.
gnomAD v4.1: 2,601 of 1,614,034 alleles (0.16%); highest among the groups gnomAD compares: Middle Eastern, 0.69%; 6 homozygotes.

Submissions (13):

CeGaT Center for Human Genetics Tuebingen
Classification: Likely benign. Last evaluated: 2026-04-01. Review status: criteria provided, single submitter. Criteria: CeGaT Center For Human Genetics Tuebingen Variant Classification Criteria Version 2. Collection method: clinical testing. Allele origin: germline. Affected: yes. Observed: 3 variant alleles.
Comment: MTTP: BP4, BS2

Labcorp Genetics (formerly Invitae), Labcorp
Classification: Likely benign. Last evaluated: 2026-02-02. Review status: criteria provided, single submitter. Criteria: Invitae Variant Classification Sherloc (09022015). Collection method: clinical testing. Allele origin: germline.

Mayo Clinic Laboratories, Mayo Clinic
Classification: Likely benign. Last evaluated: 2025-09-02. Review status: criteria provided, single submitter. Criteria: ACMG Guidelines, 2015. Collection method: clinical testing. Allele origin: germline. Observed: 5 variant alleles.
Comment: BS1, BP4

Blueprint Genetics
Classification: Likely benign. Last evaluated: 2024-11-18. Review status: criteria provided, single submitter. Criteria: ACMG Guidelines, 2015. Collection method: clinical testing. Allele origin: germline.

Department of Pathology and Laboratory Medicine, Sinai Health System
Classification: Uncertain significance for Abetalipoproteinaemia. Last evaluated: 2022-04-21. Review status: criteria provided, single submitter. Criteria: ACMG Guidelines, 2015. Collection method: research. Allele origin: germline.

Genome-Nilou Lab
Classification: Likely benign for Abetalipoproteinaemia. Last evaluated: 2021-05-18. Review status: criteria provided, single submitter. Criteria: ACMG Guidelines, 2015. Collection method: clinical testing. Allele origin: germline. Affected: no.

GeneDx
Classification: Likely benign. Last evaluated: 2021-03-23. Review status: criteria provided, single submitter. Criteria: GeneDx Variant Classification Process June 2021. Collection method: clinical testing. Allele origin: germline. Affected: yes.

Illumina Laboratory Services, Illumina
Classification: Uncertain significance for Abetalipoproteinaemia. Last evaluated: 2018-01-13. Review status: criteria provided, single submitter. Criteria: ICSL Variant Classification Criteria 13 December 2019. Collection method: clinical testing. Allele origin: germline.

Clinical Genetics DNA and cytogenetics Diagnostics Lab, Erasmus MC, Erasmus Medical Center
Classification: Likely benign for Abetalipoproteinaemia. Last evaluated: 2017-06-28. Review status: criteria provided, single submitter. Criteria: ACGS Guidelines, 2013. Collection method: clinical testing. Allele origin: germline. Affected: yes. Study: VKGL Data-share Consensus.

Eurofins Ntd Llc (ga)
Classification: Uncertain significance. Last evaluated: 2016-01-08. Review status: criteria provided, single submitter. Criteria: EGL Classification Definitions 2015. Collection method: clinical testing. Allele origin: germline. Observed: 2 variant alleles, 2 heterozygotes.

PreventionGenetics, part of Exact Sciences
Classification: Likely benign for MTTP-related condition. Last evaluated: 2024-04-26. Review status: no assertion criteria provided. Collection method: clinical testing. Allele origin: germline. Not counted in ClinVar's aggregate classification.
Comment: This variant is classified as likely benign based on ACMG/AMP sequence variant interpretation guidelines (Richards et al. 2015 PMID: 25741868, with internal and published modifications).

Natera, Inc.
Classification: Benign for Abetalipoproteinemia. Last evaluated: 2020-01-07. Review status: no assertion criteria provided. Collection method: clinical testing. Allele origin: germline. Not counted in ClinVar's aggregate classification.

Clinical Genetics, Academic Medical Center
Classification: Benign. Review status: no assertion criteria provided. Collection method: clinical testing. Allele origin: germline. Affected: yes. Study: VKGL Data-share Consensus. Not counted in ClinVar's aggregate classification.

Literature cited by the submitters: PubMed 32041611 (cited by Mayo Clinic Laboratories, Mayo Clinic).